The following is an entry in ClinVar:

NM_006502.3(POLH):c.447G>T (p.Gly149=)

Gene: POLH (DNA polymerase eta; plus strand). Cytogenetic location: 6p21.1.
Variant type: single nucleotide variant.
Coding change: c.447G>T on transcript NM_006502.3 (MANE Select); coding-DNA position 447, G replaced by T.
Protein change: p.Gly149=; no amino-acid change (glycine 149 retained).
Molecular consequence: synonymous variant. On other transcripts: intron variant (1).
Genome position (GRCh38, 1-based): chr6:43,587,446, G>T. VCF-style: chr6-43587446-G-T. GRCh37 (hg19) VCF-style: chr6-43555183-G-T.
Other names: c.447G>T, p.Gly149= (NM_001291970.2); c.118+4305G>T (NM_001291969.2).
Identifiers: ClinVar variation 780623 (VCV000780623.14), dbSNP rs2307464, ClinGen allele CA3826973.
Genomic context (GRCh38, chr6:43,587,446, plus strand): 5'-ACAAAAGCTACAAGGTCAGCCTATCTCGGCAGACTTGTTGCCAAGCACTTACATTGAAGG[G>T]TTGCCCCAAGGCCCTACAACGGCAGAAGAGACTGTTCAGAAAGGTACTTCCATAGCATCA-3'
Protein context (NP_006493.1, residues 139-159): ADLLPSTYIE[Gly149=]LPQGPTTAEE

ClinVar aggregate classification (germline): Benign/Likely benign. Review status: criteria provided, multiple submitters, no conflicts (2 of 4 stars). 4 submissions from 4 submitters: Benign (2); Likely benign (2). Last evaluated 2026-05-22.

Conditions:
POLH-related disorder. Also called: POLH-related condition.

Allele frequency attached by ClinVar (database versions not stated): gnomAD exomes 0.00060 and 0.00159; ExAC 0.00192; 1000 Genomes Project 30x 0.00453; 1000 Genomes Project 0.00479; gnomAD 0.00599 and 0.00653; ESP Exome Variant Server 0.00638; TOPMed 0.00691.
gnomAD v4.1: 1,834 of 1,614,160 alleles (0.11%); highest among the groups gnomAD compares: African/African-American, 2.1%; 20 homozygotes.

Submissions (13):

PreventionGenetics, part of Exact Sciences
Classification: Benign for POLH-related condition. Last evaluated: 2026-05-22. Review status: criteria provided, single submitter. Criteria: ACMG Guidelines, 2015. Collection method: clinical testing. Allele origin: germline.
Comment: This variant is classified as benign based on ACMG/AMP sequence variant interpretation guidelines (Richards et al. 2015 PMID: 25741868, with internal and published modifications).

Labcorp Genetics (formerly Invitae), Labcorp
Classification: Benign. Last evaluated: 2026-02-01. Review status: criteria provided, single submitter. Criteria: Invitae Variant Classification Sherloc (09022015). Collection method: clinical testing. Allele origin: germline.

GeneDx
Classification: Likely benign. Last evaluated: 2020-01-23. Review status: criteria provided, single submitter. Criteria: GeneDx Variant Classification Process June 2021. Collection method: clinical testing. Allele origin: germline. Affected: yes.

Breakthrough Genomics
Classification: Likely benign. Review status: criteria provided, single submitter. Criteria: ACMG Guidelines, 2015. Collection method: not provided. Allele origin: germline. Inheritance: Autosomal recessive inheritance. Affected: yes.

Dr. Peter K. Rogan Lab, Western University
No classification provided (evidence only). Condition: Clear cell carcinoma of kidney. Review status: no classification provided. Collection method: in vitro. Allele origin: not applicable. Functional consequence: retained intron. Not counted in ClinVar's aggregate classification.

Dr. Peter K. Rogan Lab, Western University
No classification provided (evidence only). Condition: Acute myeloid leukemia. Review status: no classification provided. Collection method: in vitro. Allele origin: not applicable. Functional consequence: skipped exon, retained intron. Not counted in ClinVar's aggregate classification.

Dr. Peter K. Rogan Lab, Western University
No classification provided (evidence only). Condition: Uterine corpus endometrial carcinoma. Review status: no classification provided. Collection method: in vitro. Allele origin: not applicable. Functional consequence: retained intron. Not counted in ClinVar's aggregate classification.

Dr. Peter K. Rogan Lab, Western University
No classification provided (evidence only). Condition: Uterine corpus endometrial carcinoma. Review status: no classification provided. Collection method: in vitro. Allele origin: not applicable. Functional consequence: retained intron. Not counted in ClinVar's aggregate classification.

Dr. Peter K. Rogan Lab, Western University
No classification provided (evidence only). Condition: Uterine corpus endometrial carcinoma. Review status: no classification provided. Collection method: in vitro. Allele origin: not applicable. Functional consequence: retained intron. Not counted in ClinVar's aggregate classification.

Dr. Peter K. Rogan Lab, Western University
No classification provided (evidence only). Condition: Nonpapillary renal cell carcinoma. Review status: no classification provided. Collection method: in vitro. Allele origin: not applicable. Functional consequence: skipped exon, retained intron. Not counted in ClinVar's aggregate classification.

Dr. Peter K. Rogan Lab, Western University
No classification provided (evidence only). Condition: Gastric cancer. Review status: no classification provided. Collection method: in vitro. Allele origin: not applicable. Functional consequence: retained intron. Not counted in ClinVar's aggregate classification.

Dr. Peter K. Rogan Lab, Western University
No classification provided (evidence only). Condition: Gastric cancer. Review status: no classification provided. Collection method: in vitro. Allele origin: not applicable. Functional consequence: retained intron. Not counted in ClinVar's aggregate classification.

Dr. Peter K. Rogan Lab, Western University
No classification provided (evidence only). Condition: Uterine carcinosarcoma. Review status: no classification provided. Collection method: in vitro. Allele origin: not applicable. Functional consequence: retained intron. Not counted in ClinVar's aggregate classification.